The following is an entry in ClinVar:

ClinVar aggregate classification (germline): Likely benign (1 of 4 stars; one submission).

Submission:

Laboratory for Molecular Medicine, Mass General Brigham Personalized Medicine
Classification: Likely benign. Last evaluated: 2015-06-25. Review status: criteria provided, single submitter. Criteria: LMM Criteria. Collection method: clinical testing. Allele origin: germline. Observed: 1 variant allele.
Comment: c.10114+14C>T in exon 43 of TTN: This variant is not expected to have clinical s ignificance because it does not alter an amino acid residue and is not located w ithin the splice consensus sequence.

NM_001267550.2(TTN):c.10114+14C>T

Gene: TTN (titin; minus strand). Cytogenetic location: 2q31.2.
Variant type: single nucleotide variant.
Coding change: c.10114+14C>T on transcript NM_001267550.2 (MANE Select); 14 bases into the intron after coding-DNA position 10114, C replaced by T.
Molecular consequence: intron variant.
Genome position (GRCh38, 1-based): chr2:178,764,163, G>A on the plus strand (C>T on the coding strand, the complement: TTN is on the minus strand). VCF-style: chr2-178764163-G-A. GRCh37 (hg19) VCF-style: chr2-179628890-G-A.
Other names: c.10114+14C>T (NM_133378.4, NM_001256850.1, NM_133379.5); c.9976+14C>T (NM_003319.4, NM_133437.4, NM_133432.3).
Identifiers: ClinVar variation 228057 (VCV000228057.5), dbSNP rs876657598, ClinGen allele CA10576570.